The following is an entry in ClinVar:

ClinVar aggregate classification (germline): Uncertain significance (1 of 4 stars; one submission).

Conditions:
Epilepsy, progressive myoclonic, 1B. Also called: PME. Identifiers: Orphanet 308, MedGen C2676254, MONDO:0012904, OMIM 612437.

Submission:

Labcorp Genetics (formerly Invitae), Labcorp
Classification: Uncertain significance for Epilepsy, progressive myoclonic, 1B. Last evaluated: 2022-07-06. Review status: criteria provided, single submitter. Criteria: Invitae Variant Classification Sherloc (09022015). Collection method: clinical testing. Allele origin: germline.
Comment: In summary, the available evidence is currently insufficient to determine the role of this variant in disease. Therefore, it has been classified as a Variant of Uncertain Significance. Algorithms developed to predict the effect of missense changes on protein structure and function (SIFT, PolyPhen-2, Align-GVGD) all suggest that this variant is likely to be tolerated. ClinVar contains an entry for this variant (Variation ID: 1514246). This variant has not been reported in the literature in individuals affected with PRICKLE1-related conditions. This variant is not present in population databases (gnomAD no frequency). This sequence change replaces threonine, which is neutral and polar, with isoleucine, which is neutral and non-polar, at codon 385 of the PRICKLE1 protein (p.Thr385Ile).

NM_153026.3(PRICKLE1):c.1154C>T (p.Thr385Ile)

Genes: PRICKLE1 (prickle planar cell polarity protein 1; minus strand), LOC126861509 (BRD4-independent group 4 enhancer GRCh37_chr12:42858567-42859766; plus strand). Cytogenetic location: 12q12.
Variant type: single nucleotide variant.
Coding change: c.1154C>T on transcript NM_153026.3 (MANE Select); coding-DNA position 1154, C replaced by T.
Protein change: p.Thr385Ile; replaces threonine 385 with isoleucine.
Molecular consequence: missense variant.
Genome position (GRCh38, 1-based): chr12:42,464,880, G>A on the plus strand (C>T on the coding strand, the complement: PRICKLE1 is on the minus strand). VCF-style: chr12-42464880-G-A. GRCh37 (hg19) VCF-style: chr12-42858682-G-A.
Other names: c.1154C>T, p.Thr385Ile (NM_001144881.2, NM_001144882.2, NM_001144883.2); short protein forms T385I.
Identifiers: ClinVar variation 1514246 (VCV001514246.6), dbSNP rs2140101481, ClinGen allele CA384442351.